The following is an entry in ClinVar:

NM_005751.5(AKAP9):c.3769C>T (p.His1257Tyr)

Gene: AKAP9 (A-kinase anchoring protein 9; plus strand). Cytogenetic location: 7q21.2.
Variant type: single nucleotide variant.
Coding change: c.3769C>T on transcript NM_005751.5 (MANE Select); coding-DNA position 3769, C replaced by T.
Protein change: p.His1257Tyr; replaces histidine 1257 with tyrosine.
Molecular consequence: missense variant.
Genome position (GRCh38, 1-based): chr7:92,017,034, C>T. VCF-style: chr7-92017034-C-T. GRCh37 (hg19) VCF-style: chr7-91646348-C-T.
Other names: c.3769C>T, p.His1257Tyr (NM_147185.3); short protein forms H1257Y.
Identifiers: ClinVar variation 2162864 (VCV002162864.5), dbSNP rs1289220466, ClinGen allele CA368127206.

ClinVar aggregate classification (germline): Uncertain significance. Review status: criteria provided, multiple submitters, no conflicts (2 of 4 stars). 2 submissions from 2 submitters: Uncertain significance (2). Last evaluated 2024-01-09.

Conditions:
Long QT syndrome (LQTS). Identifiers: MedGen C0023976, MeSH D008133, MONDO:0002442. Disease mechanism: loss of function. Inheritance: Various modes of inheritance.

Allele frequency attached by ClinVar (database versions not stated): gnomAD 0.00001; TOPMed 0.00001.

Submissions (2):

Labcorp Genetics (formerly Invitae), Labcorp
Classification: Uncertain significance for Long QT syndrome. Last evaluated: 2024-01-09. Review status: criteria provided, single submitter. Criteria: Invitae Variant Classification Sherloc (09022015). Collection method: clinical testing. Allele origin: germline.
Comment: This sequence change replaces histidine, which is basic and polar, with tyrosine, which is neutral and polar, at codon 1257 of the AKAP9 protein (p.His1257Tyr). This variant is not present in population databases (gnomAD no frequency). This variant has not been reported in the literature in individuals affected with AKAP9-related conditions. ClinVar contains an entry for this variant (Variation ID: 2162864). An algorithm developed to predict the effect of missense changes on protein structure and function (PolyPhen-2) suggests that this variant is likely to be tolerated. In summary, the available evidence is currently insufficient to determine the role of this variant in disease. Therefore, it has been classified as a Variant of Uncertain Significance.

Blueprint Genetics
Classification: Uncertain significance. Last evaluated: 2018-02-13. Review status: criteria provided, single submitter. Criteria: ACMG Guidelines, 2015. Collection method: clinical testing. Allele origin: germline.